The following is an entry in ClinVar:

NM_001114753.3(ENG):c.826G>A (p.Glu276Lys)

Gene: ENG (endoglin; minus strand). Cytogenetic location: 9q34.11.
Variant type: single nucleotide variant.
Coding change: c.826G>A on transcript NM_001114753.3 (MANE Select); coding-DNA position 826, G replaced by A.
Protein change: p.Glu276Lys; replaces glutamic acid 276 with lysine.
Molecular consequence: missense variant.
Genome position (GRCh38, 1-based): chr9:127,824,965, C>T on the plus strand (G>A on the coding strand, the complement: ENG is on the minus strand). VCF-style: chr9-127824965-C-T. GRCh37 (hg19) VCF-style: chr9-130587244-C-T.
Other names: c.826G>A, p.Glu276Lys (NM_000118.4, NM_001406715.1); c.280G>A, p.Glu94Lys (NM_001278138.2); short protein forms E276K, E94K.
Identifiers: ClinVar variation 4870412 (VCV004870412.1).

ClinVar aggregate classification (germline): Uncertain significance (1 of 4 stars; one submission).

Conditions:
Cardiovascular phenotype. Identifiers: MedGen CN230736.

Submission:

Ambry Genetics
Classification: Uncertain significance for Cardiovascular phenotype. Last evaluated: 2026-03-28. Review status: criteria provided, single submitter. Criteria: Ambry Variant Classification Scheme 2023. Collection method: clinical testing. Allele origin: germline.
Comment: The p.E276K variant (also known as c.826G>A), located in coding exon 7 of the ENG gene, results from a G to A substitution at nucleotide position 826. The glutamic acid at codon 276 is replaced by lysine, an amino acid with similar properties. This amino acid position is conserved. In addition, this alteration is predicted to be tolerated by in silico analysis. Based on the available evidence, the clinical significance of this variant remains unclear.